The following is an entry in ClinVar:

NM_006852.6(TLK2):c.364C>T (p.Arg122Ter)

Gene: TLK2 (tousled like kinase 2; plus strand). Cytogenetic location: 17q23.2.
Variant type: single nucleotide variant.
Coding change: c.364C>T on transcript NM_006852.6 (MANE Select); coding-DNA position 364, C replaced by T.
Protein change: p.Arg122Ter; replaces arginine 122 with a stop codon.
Molecular consequence: nonsense. On other transcripts: 5 prime UTR variant (2).
Genome position (GRCh38, 1-based): chr17:62,536,170, C>T. VCF-style: chr17-62536170-C-T. GRCh37 (hg19) VCF-style: chr17-60613531-C-T.
Other names: c.364C>T, p.Arg122Ter (NM_001284333.3, NM_001375270.1, NM_001375271.1); c.268C>T, p.Arg90Ter (NM_001284363.1, NM_001375272.1); c.-84C>T (NM_001330418.3, NM_001375273.1); c.406C>T, p.Arg136Ter (NM_001375269.1); c.364C>T (NM_006852.4); short protein forms R122*, R90*, R136*.
Identifiers: ClinVar variation 620099 (VCV000620099.46), dbSNP rs1567870541, ClinGen allele CA400517227.
Genomic context (GRCh38, chr17:62,536,170, plus strand): 5'-TTTGGGCAGTATCAGATTATCTTTCTCATGTCATTTGTGTGTTTCTTTACTGTTTTCCAG[C>T]GACGAGTAGAACAGCCCCTCTATGGTTTAGATGGCAGTGCTGCAAAGGAGGCAACGGAGG-3'

ClinVar aggregate classification (germline): Pathogenic/Likely pathogenic. Review status: criteria provided, multiple submitters, no conflicts (2 of 4 stars). 7 submissions from 7 submitters: Pathogenic (6); Likely pathogenic (1). Last evaluated 2025-09-25.

Conditions:
Intellectual developmental disorder, autosomal dominant 57. Also called: MENTAL RETARDATION, AUTOSOMAL DOMINANT 57; Intellectual disability, autosomal dominant 57. Identifiers: MedGen C4748003, MONDO:0054837, OMIM 618050.

gnomAD v4.1: 1 of 1,609,368 alleles (0.000062%); no homozygotes.

Submissions (7):

3billion
Classification: Pathogenic for Intellectual developmental disorder, autosomal dominant 57. Last evaluated: 2025-09-25. Review status: criteria provided, single submitter. Criteria: ACMG Guidelines, 2015. Collection method: clinical testing. Allele origin: germline. Affected: yes.
Comment: The variant is observed at an extremely low frequency in the gnomAD v4.1.0 dataset (total allele frequency: <0.001%). Predicted Consequence/Location: Stop-gained (nonsense): predicted to result in a loss or disruption of normal protein function through nonsense-mediated decay (NMD) or protein truncation. Multiple pathogenic variants are reported downstream of the variant. The variant has been reported at least twice as pathogenic with clinical assertions and evidence for the classification (ClinVar ID: VCV000620099 /3billion dataset). Therefore, this variant is classified as Pathogenic according to the recommendation of ACMG/AMP guideline.

Revvity Omics, Revvity
Classification: Likely pathogenic for Intellectual developmental disorder, autosomal dominant 57. Last evaluated: 2024-09-02. Review status: criteria provided, single submitter. Criteria: ACMG Guidelines, 2015. Collection method: clinical testing. Allele origin: germline.

MVZ Martinsried, Medicover Genetics
Classification: Pathogenic for Intellectual developmental disorder, autosomal dominant 57. Last evaluated: 2024-07-02. Review status: criteria provided, single submitter. Criteria: ACGS Guidelines, 2020. Collection method: clinical testing. Allele origin: de novo. Affected: yes.

CeGaT Center for Human Genetics Tuebingen
Classification: Pathogenic. Last evaluated: 2023-10-01. Review status: criteria provided, single submitter. Criteria: CeGaT Center For Human Genetics Tuebingen Variant Classification Criteria Version 2. Collection method: clinical testing. Allele origin: germline. Affected: yes. Observed: 2 variant alleles.
Comment: TLK2: PVS1, PS2, PM2, PS4:Supporting

GeneDx
Classification: Pathogenic. Last evaluated: 2022-08-22. Review status: criteria provided, single submitter. Criteria: GeneDx Variant Classification Process June 2021. Collection method: clinical testing. Allele origin: germline. Affected: yes.
Comment: Identified in an individual with short stature in published literature, although parental testing was not conducted and clinical details were not provided (Li et al., 2021); Nonsense variant predicted to result in protein truncation or nonsense mediated decay in a gene for which loss-of-function is a known mechanism of disease; Not observed in large population cohorts (gnomAD); This variant is associated with the following publications: (PMID: 33980485)

Labcorp Genetics (formerly Invitae), Labcorp
Classification: Pathogenic. Last evaluated: 2019-12-24. Review status: criteria provided, single submitter. Criteria: Invitae Variant Classification Sherloc (09022015). Collection method: clinical testing. Allele origin: germline.
Comment: For these reasons, this variant has been classified as Pathogenic. Loss-of-function variants in TLK2 are known to be pathogenic (PMID: 29861108). This variant has not been reported in the literature in individuals with TLK2-related conditions. ClinVar contains an entry for this variant (Variation ID: 620099). This variant is not present in population databases (ExAC no frequency). This sequence change creates a premature translational stop signal (p.Arg122*) in the TLK2 gene. It is expected to result in an absent or disrupted protein product.

Clinical Genetics Service, Universitary Hospital 12 de Octubre
Classification: Pathogenic for Intellectual developmental disorder, autosomal dominant 57. Review status: criteria provided, single submitter. Criteria: ACMG Guidelines, 2015. Collection method: clinical testing. Allele origin: de novo. Affected: yes.

Literature cited by the submitters: PubMed 29861108 (cited by Labcorp Genetics (formerly Invitae), Labcorp).